The following is an entry in ClinVar:

ClinVar aggregate classification (germline): Uncertain significance (1 of 4 stars; one submission).

Allele frequency attached by ClinVar (database versions not stated): gnomAD 0.00009; ExAC 0.00005; gnomAD exomes 0.00007; TOPMed 0.00008.
gnomAD v4.1: 305 of 1,551,336 alleles (0.02%); highest among the groups gnomAD compares: Non-Finnish European, 0.025%; no homozygotes.

Submission:

GeneDx
Classification: Uncertain significance. Last evaluated: 2019-10-23. Review status: criteria provided, single submitter. Criteria: GeneDx Variant Classification Process June 2021. Collection method: clinical testing. Allele origin: germline. Affected: yes.
Comment: In silico analysis, which includes protein predictors and evolutionary conservation, supports that this variant does not alter protein structure/function; Has not been previously published as pathogenic or benign to our knowledge

NM_001145026.2(PTPRQ):c.5867A>C (p.Gln1956Pro)

Gene: PTPRQ (protein tyrosine phosphatase receptor type Q; plus strand). Cytogenetic location: 12q21.31.
Variant type: single nucleotide variant.
Coding change: c.5867A>C on transcript NM_001145026.2 (MANE Select); coding-DNA position 5867, A replaced by C.
Protein change: p.Gln1956Pro; replaces glutamine 1956 with proline.
Molecular consequence: missense variant.
Genome position (GRCh38, 1-based): chr12:80,635,025, A>C. VCF-style: chr12-80635025-A-C. GRCh37 (hg19) VCF-style: chr12-81028804-A-C.
Other names: short protein forms Q1956P.
Identifiers: ClinVar variation 1309670 (VCV001309670.2), dbSNP rs774241357, ClinGen allele CA6702878.